The following is an entry in ClinVar:

ClinVar aggregate classification (germline): Benign (0 of 4 stars; one submission).

Conditions:
ZNF141-related disorder. Also called: ZNF141-related condition.

Submission:

PreventionGenetics, part of Exact Sciences
Classification: Benign for ZNF141-related condition. Last evaluated: 2023-02-27. Review status: no assertion criteria provided. Collection method: clinical testing. Allele origin: germline.
Comment: This variant is classified as benign based on ACMG/AMP sequence variant interpretation guidelines (Richards et al. 2015 PMID: 25741868, with internal and published modifications).

NM_003441.4(ZNF141):c.1059A>T (p.Lys353Asn)

Gene: ZNF141 (zinc finger protein 141; plus strand). Cytogenetic location: 4p16.3.
Variant type: single nucleotide variant.
Coding change: c.1059A>T on transcript NM_003441.4 (MANE Select); coding-DNA position 1059, A replaced by T.
Protein change: p.Lys353Asn; replaces lysine 353 with asparagine.
Molecular consequence: missense variant. On other transcripts: intron variant (1).
Genome position (GRCh38, 1-based): chr4:373,496, A>T. VCF-style: chr4-373496-A-T. GRCh37 (hg19) VCF-style: chr4-367285-A-T.
Other names: c.831A>T, p.Lys277Asn (NM_001348277.2); c.570+489A>T (NM_001348278.2); short protein forms K277N, K353N.
Identifiers: ClinVar variation 3056876 (VCV003056876.2), dbSNP rs1553854027, ClinGen allele CA355893996.